The following is an entry in ClinVar:

ClinVar aggregate classification (germline): Conflicting classifications of pathogenicity. Review status: criteria provided, conflicting classifications (1 of 4 stars). 7 submissions from 7 submitters: Likely pathogenic (1); Uncertain significance (5); Likely benign (1). Last evaluated 2026-01-04.

Conditions:
Hereditary cancer-predisposing syndrome. Also called: Tumor predisposition; Neoplastic Syndromes, Hereditary; Hereditary Cancer Syndrome; Hereditary neoplastic syndrome. Identifiers: Orphanet 140162, MedGen C0027672, MeSH D009386, MONDO:0015356.
Tuberous sclerosis syndrome (TSC). Also called: Tuberous Sclerosis Complex; Tuberous sclerosis. Identifiers: Orphanet 805, MedGen C0041341, MONDO:0001734.
Tuberous sclerosis 2 (TSC2). Identifiers: Orphanet 805, MedGen C1860707, MONDO:0013199, OMIM 613254.

Allele frequency attached by ClinVar (database versions not stated): TOPMed 0.00002; gnomAD 0.00003; ExAC 0.00006; ESP Exome Variant Server 0.00015.
gnomAD v4.1: 53 of 1,613,416 alleles (0.0033%); highest among the groups gnomAD compares: African/African-American, 0.004%; no homozygotes.

Submissions (7):

Labcorp Genetics (formerly Invitae), Labcorp
Classification: Likely benign for Tuberous sclerosis 2. Last evaluated: 2026-01-04. Review status: criteria provided, single submitter. Criteria: Invitae Variant Classification Sherloc (09022015). Collection method: clinical testing. Allele origin: germline.

Ambry Genetics
Classification: Uncertain significance for Hereditary cancer-predisposing syndrome. Last evaluated: 2025-07-16. Review status: criteria provided, single submitter. Criteria: Ambry Variant Classification Scheme 2023. Collection method: clinical testing. Allele origin: germline.
Comment: The p.R628C variant (also known as c.1882C>T), located in coding exon 17 of the TSC2 gene, results from a C to T substitution at nucleotide position 1882. The arginine at codon 628 is replaced by cysteine, an amino acid with highly dissimilar properties. In one study, this variant was identified in 1 of 283 patients with a definite or suspected clinical diagnosis of tuberous sclerosis complex (TSC) (Togi S et al. Int J Mol Sci. 2022 Sep;23(19). However, this variant has also been detected in multiple individuals with no reported features of TSC2-associated disease (Ambry internal data). This amino acid position is highly conserved in available vertebrate species. In addition, this alteration is predicted to be deleterious by in silico analysis. Based on the available evidence, the clinical significance of this variant remains unclear.

All of Us Research Program, National Institutes of Health
Classification: Uncertain significance for Tuberous sclerosis syndrome. Last evaluated: 2024-07-20. Review status: criteria provided, single submitter. Criteria: ACMG Guidelines, 2015. Collection method: clinical testing. Allele origin: germline. Inheritance: Autosomal dominant inheritance. Observed: 8 variant alleles, 8 heterozygotes.
Comment: This missense variant replaces arginine with cysteine at codon 628 of the TSC2 protein. Computational prediction suggests that this variant may have deleterious impact on protein structure and function (internally defined REVEL score threshold >= 0.7, PMID: 27666373). To our knowledge, functional studies have not been reported for this variant. This variant has not been reported in individuals affected with tuberous sclerosis complex in the literature. This variant has been identified in 8/250502 chromosomes in the general population by the Genome Aggregation Database (gnomAD). The available evidence is insufficient to determine the role of this variant in disease conclusively. Therefore, this variant is classified as a Variant of Uncertain Significance.

This study involves interpretation of variants in research participants for the purpose of population health screening. Participant phenotype was not available at the time of variant classification. Additional details can be found in publication PMID: 35346344, PMCID: PMC8962531

Color Diagnostics, LLC DBA Color Health
Classification: Uncertain significance for Tuberous sclerosis syndrome. Last evaluated: 2024-04-18. Review status: criteria provided, single submitter. Criteria: ACMG Guidelines, 2015. Collection method: clinical testing. Allele origin: germline.
Comment: This missense variant replaces arginine with cysteine at codon 628 of the TSC2 protein. Computational prediction suggests that this variant may have deleterious impact on protein structure and function. To our knowledge, functional studies have not been reported for this variant. This variant has not been reported in individuals affected with tuberous sclerosis complex in the literature. This variant has been identified in 8/250502 chromosomes in the general population by the Genome Aggregation Database (gnomAD). The available evidence is insufficient to determine the role of this variant in disease conclusively. Therefore, this variant is classified as a Variant of Uncertain Significance.

GeneDx
Classification: Uncertain significance. Last evaluated: 2024-01-07. Review status: criteria provided, single submitter. Criteria: GeneDx Variant Classification Process June 2021. Collection method: clinical testing. Allele origin: germline. Affected: yes.
Comment: In silico analysis supports that this missense variant has a deleterious effect on protein structure/function; This variant is associated with the following publications: (PMID: 36232477)

Division of Genomic Medicine, Department of Advanced Medicine, Medical Research Institute, Kanazawa Medical University
Classification: Likely pathogenic for Tuberous sclerosis 2. Last evaluated: 2022-07-19. Review status: criteria provided, single submitter. Criteria: ACMG Guidelines, 2015. Collection method: clinical testing. Allele origin: germline. Affected: yes. Observed: 1 variant allele.
Comment: According to ACMG GL 2015, this variant located in Hamartin binding domain (PM1), Arg628Gly has been determined to be pathogenic (PM5), assumed de novo (PM6), multiple lines of computational evidence support a deleterious effect (PP3), and detected in the patient with clinically definitive tuberous sclerosis complex (PP4).

Sema4
Classification: Uncertain significance for Hereditary cancer-predisposing syndrome. Last evaluated: 2021-09-20. Review status: criteria provided, single submitter. Criteria: Sema4 Curation Guidelines. Collection method: curation. Allele origin: germline.
Comment: The TSC2 c.1882C>T (p.R628C) variant has not been reported in the literature to our knowledge. It was observed in 2/16188 chromosomes of the African/African American subpopulation in the large and broad cohorts of the Genome Aggregation Database (PMID: 32461654). The variant has been reported in ClinVar (Variation ID 406129). In silico tools suggest the impact of the variant on protein function is deleterious, though these predictions have not been confirmed by functional studies. The evidence is insufficient to meet ACMG/AMP criteria for classifying the variant as benign or pathogenic. Thus, the clinical significance of this variant is currently uncertain.

Literature cited by the submitters: PubMed 36232477 (cited by Ambry Genetics).

NM_000548.5(TSC2):c.1882C>T (p.Arg628Cys)

Gene: TSC2 (TSC complex subunit 2; plus strand). Cytogenetic location: 16p13.3.
Variant type: single nucleotide variant.
Coding change: c.1882C>T on transcript NM_000548.5 (MANE Select); coding-DNA position 1882, C replaced by T.
Protein change: p.Arg628Cys; replaces arginine 628 with cysteine.
Molecular consequence: missense variant.
Genome position (GRCh38, 1-based): chr16:2,071,552, C>T. VCF-style: chr16-2071552-C-T. GRCh37 (hg19) VCF-style: chr16-2121553-C-T.
Other names: c.1882C>T, p.Arg628Cys (NM_001077183.3, NM_001114382.3, NM_001363528.2 and 3 more transcripts); c.1771C>T, p.Arg591Cys (NM_001318827.2); c.1735C>T, p.Arg579Cys (NM_001318829.2); c.1282C>T, p.Arg428Cys (NM_001318831.2); c.1915C>T, p.Arg639Cys (NM_001318832.2); short protein forms R628C, R579C, R639C, R428C, R591C.
Identifiers: ClinVar variation 406129 (VCV000406129.22), dbSNP rs45437797, ClinGen allele CA034358.